The following is an entry in ClinVar:

ClinVar aggregate classification (germline): Likely pathogenic. Review status: criteria provided, multiple submitters, no conflicts (2 of 4 stars). 3 submissions from 3 submitters: Likely pathogenic (2). 1 of the submissions does not count toward it. Last evaluated 2024-11-10.

Conditions:
Hereditary breast ovarian cancer syndrome. Also called: Hereditary breast and ovarian cancer syndrome; Hereditary breast and ovarian cancer; Hereditary breast and ovarian cancer syndrome (HBOC); Breast and ovarian cancer; Hereditary breast and/or ovarian cancer syndrome; BRCA1- and BRCA2-Associated Hereditary Breast and Ovarian Cancer. Identifiers: Orphanet 145, MedGen C0677776, MeSH D061325, MONDO:0003582. Disease mechanism: loss of function.
Hereditary cancer-predisposing syndrome. Also called: Neoplastic Syndromes, Hereditary; Tumor predisposition; Hereditary neoplastic syndrome; Hereditary Cancer Syndrome. Identifiers: Orphanet 140162, MedGen C0027672, MeSH D009386, MONDO:0015356.
Breast-ovarian cancer, familial, susceptibility to, 2 (BROVCA2). Also called: BRCA2 Hereditary Breast and Ovarian Cancer. Identifiers: Orphanet 145, MedGen C2675520, MONDO:0012933, OMIM 612555. Disease mechanism: loss of function.

Submissions (3):

Molecular Diagnostics Laboratory, Catalan Institute of Oncology
Classification: Likely pathogenic for Hereditary cancer-predisposing syndrome. Last evaluated: 2024-11-10. Review status: criteria provided, single submitter. Criteria: ClinGen BRCA1BRCA2 ACMG Specifications BRCA2 V1.0.0. Collection method: clinical testing. Allele origin: germline.
Comment: PS3, PM2_supporting, PP4_moderate, BP4 c.91T>C, located in a (potentially) clinically important functional domain of BRCA2 gene, is predicted to result in the substitution of Tryptophan by Arginine at codon 31, p.(Trp31Arg). It is not present in the population database gnomAD v2.1.1, non cancer dataset (PM2_supporting). The SpliceAI algorithm predicts no significant impact on splicing and the BayesDel_noAF predictor score for this variant (-0.11) suggests that it does not affect the protein function (BP4). RNA studies showed that this variant causes exon 3 skipping with a similar rate of controls (PMID: 35979650). A functional study based on mESC complementation assay showed loss of BRCA2 function (PMID: 35979650) (PS3). It has been reported in a multifactorial likelihood clinical data (Combined LR 4.5, PMID: 17924331, 35979650) (PP4_moderate). It co-segregates in two family members affected with breast/ovarian cancer (LR 1.99, PMID: 22678057). This variant has been reported in the ClinVar database (1x as pathogenic, 1x as uncertain significance) and in the LOVD database (2x as likely pathogenic, 1x as uncertain significance, 1x as not provided). Based on currently available information, the variant c.91T>C is classified as a likely pathogenic variant.

Labcorp Genetics (formerly Invitae), Labcorp
Classification: Likely pathogenic for Hereditary breast ovarian cancer syndrome. Last evaluated: 2024-02-29. Review status: criteria provided, single submitter. Criteria: Invitae Variant Classification Sherloc (09022015). Collection method: clinical testing. Allele origin: germline.
Comment: This sequence change replaces tryptophan, which is neutral and slightly polar, with arginine, which is basic and polar, at codon 31 of the BRCA2 protein (p.Trp31Arg). This variant is not present in population databases (gnomAD no frequency). This missense change has been observed in individual(s) with breast and/or ovarian cancer, and reported to co-segregate with disease in two family members (PMID: 22678057). This variant is also known as 319T>C. ClinVar contains an entry for this variant (Variation ID: 52775). Advanced modeling of protein sequence and biophysical properties (such as structural, functional, and spatial information, amino acid conservation, physicochemical variation, residue mobility, and thermodynamic stability) performed at Invitae indicates that this missense variant is not expected to disrupt BRCA2 protein function with a negative predictive value of 95%. Experimental studies have shown that this missense change affects BRCA2 function (PMID: 16793542, 19609323, 22678057). This variant disrupts the p.Trp31 amino acid residue in BRCA2. Other variant(s) that disrupt this residue have been determined to be pathogenic (PMID: 22678057). This suggests that this residue is clinically significant, and that variants that disrupt this residue are likely to be disease-causing. In summary, the currently available evidence indicates that the variant is pathogenic, but additional data are needed to prove that conclusively. Therefore, this variant has been classified as Likely Pathogenic.

Breast Cancer Information Core (BIC) (BRCA2)
Classification: Uncertain significance for Breast-ovarian cancer, familial 2. Last evaluated: 2002-05-29. Review status: no assertion criteria provided. Collection method: clinical testing. Allele origin: germline. Affected: yes. Observed: 2 variant alleles. Not counted in ClinVar's aggregate classification.

Literature cited by the submitters: PubMed 22678057 (cited by Labcorp Genetics (formerly Invitae), Labcorp); PubMed 16793542 (cited by Labcorp Genetics (formerly Invitae), Labcorp); PubMed 19609323 (cited by Labcorp Genetics (formerly Invitae), Labcorp).

NM_000059.4(BRCA2):c.91T>C (p.Trp31Arg)

Gene: BRCA2 (BRCA2 DNA repair associated; plus strand). Cytogenetic location: 13q13.1.
Variant type: single nucleotide variant.
Coding change: c.91T>C on transcript NM_000059.4 (MANE Select); coding-DNA position 91, T replaced by C.
Protein change: p.Trp31Arg; replaces tryptophan 31 with arginine.
Molecular consequence: missense variant.
Genome position (GRCh38, 1-based): chr13:32,319,100, T>C. VCF-style: chr13-32319100-T-C. GRCh37 (hg19) VCF-style: chr13-32893237-T-C.
Other names: short protein forms W31R.
Identifiers: ClinVar variation 52775 (VCV000052775.12), dbSNP rs80359182, ClinGen allele CA026029.